The following is an entry in ClinVar:

NM_001385012.1(NBEA):c.833C>T (p.Pro278Leu)

Gene: NBEA (neurobeachin; plus strand). Cytogenetic location: 13q13.3.
Variant type: single nucleotide variant.
Coding change: c.833C>T on transcript NM_001385012.1 (MANE Select); coding-DNA position 833, C replaced by T.
Protein change: p.Pro278Leu; replaces proline 278 with leucine.
Molecular consequence: missense variant.
Genome position (GRCh38, 1-based): chr13:35,048,672, C>T. VCF-style: chr13-35048672-C-T. GRCh37 (hg19) VCF-style: chr13-35622809-C-T.
Other names: c.833C>T, p.Pro278Leu (NM_001379245.1, NM_015678.5); short protein forms P278L.
Identifiers: ClinVar variation 3369632 (VCV003369632.2).

ClinVar aggregate classification (germline): Uncertain significance (1 of 4 stars; one submission).

Submission:

GeneDx
Classification: Uncertain significance. Last evaluated: 2024-10-31. Review status: criteria provided, single submitter. Criteria: GeneDx Variant Classification Process June 2021. Collection method: clinical testing. Allele origin: germline.
Comment: Not observed at significant frequency in large population cohorts (gnomAD); In silico analysis supports that this missense variant has a deleterious effect on protein structure/function; Has not been previously published as pathogenic or benign to our knowledge